The following is an entry in ClinVar:

ClinVar aggregate classification (germline): Uncertain significance (1 of 4 stars; one submission).

Conditions:
Developmental and epileptic encephalopathy, 9 (DEE9). Also called: Early infantile epileptic encephalopathy 9; EPILEPSY, FEMALE-RESTRICTED, WITH MENTAL RETARDATION; JUBERG-HELLMAN SYNDROME; PCDH19-Related X-Linked Female-Limited Epilepsy with Mental Retardation. Identifiers: Orphanet 101039, Orphanet 2076, MedGen C1848137, MONDO:0010246, OMIM 300088. Disease mechanism: loss of function.

Submission:

Labcorp Genetics (formerly Invitae), Labcorp
Classification: Uncertain significance for Developmental and epileptic encephalopathy, 9. Last evaluated: 2025-04-19. Review status: criteria provided, single submitter. Criteria: Invitae Variant Classification Sherloc (09022015). Collection method: clinical testing. Allele origin: germline.
Comment: This sequence change replaces lysine, which is basic and polar, with asparagine, which is neutral and polar, at codon 779 of the PCDH19 protein (p.Lys779Asn). This variant is not present in population databases (gnomAD no frequency). This variant has not been reported in the literature in individuals affected with PCDH19-related conditions. Invitae Evidence Modeling of protein sequence and biophysical properties (such as structural, functional, and spatial information, amino acid conservation, physicochemical variation, residue mobility, and thermodynamic stability) indicates that this missense variant is not expected to disrupt PCDH19 protein function with a negative predictive value of 95%. In summary, the available evidence is currently insufficient to determine the role of this variant in disease. Therefore, it has been classified as a Variant of Uncertain Significance.

NM_001184880.2(PCDH19):c.2337A>C (p.Lys779Asn)

Genes: PCDH19 (protocadherin 19; minus strand), LOC125467768 (CDK7 strongly-dependent group 2 enhancer GRCh37_chrX:99657381-99658580; plus strand). Cytogenetic location: Xq22.1.
Variant type: single nucleotide variant.
Coding change: c.2337A>C on transcript NM_001184880.2 (MANE Select); coding-DNA position 2337, A replaced by C.
Protein change: p.Lys779Asn; replaces lysine 779 with asparagine.
Molecular consequence: missense variant.
Genome position (GRCh38, 1-based): chrX:100,402,803, T>G on the plus strand (A>C on the coding strand, the complement: PCDH19 is on the minus strand). VCF-style: chrX-100402803-T-G. GRCh37 (hg19) VCF-style: chrX-99657801-T-G.
Other names: c.2196A>C, p.Lys732Asn (NM_001105243.2, NM_020766.3); short protein forms K732N, K779N.
Identifiers: ClinVar variation 4801125 (VCV004801125.1).